The following is an entry in ClinVar:

ClinVar aggregate classification (germline): Conflicting classifications of pathogenicity. Review status: criteria provided, conflicting classifications (1 of 4 stars). 2 submissions from 2 submitters: Uncertain significance (1); Benign (1). Last evaluated 2025-07-16.

Conditions:
Genitopatellar syndrome (GTPTS). Also called: ABSENT PATELLAE, SCROTAL HYPOPLASIA, RENAL ANOMALIES, FACIAL DYSMORPHISM, AND MENTAL RETARDATION; Genitopatellar syndrome (GPS). Identifiers: Orphanet 85201, MedGen C1853566, MONDO:0011640, OMIM 606170.

Submissions (2):

Women's Health and Genetics/Laboratory Corporation of America, LabCorp
Classification: Uncertain significance. Last evaluated: 2025-07-16. Review status: criteria provided, single submitter. Criteria: LabCorp Variant Classification Summary - May 2015. Collection method: clinical testing. Allele origin: germline.
Comment: Variant summary: KAT6B c.5374A>G (p.Ile1792Val) results in a conservative amino acid change in the encoded protein sequence. Algorithms developed to predict the effect of missense changes on protein structure and function all suggest that this variant is likely to be tolerated. The variant was absent in 251410 control chromosomes. The available data on variant occurrences in the general population are insufficient to allow any conclusion about variant significance. To our knowledge, no occurrence of c.5374A>G in individuals affected with KAT6B-Related Spectrum Disorders and no experimental evidence demonstrating its impact on protein function have been reported. ClinVar contains an entry for this variant (Variation ID: 3680809). Based on the evidence outlined above, the variant was classified as uncertain significance.

Labcorp Genetics (formerly Invitae), Labcorp
Classification: Benign for Genitopatellar syndrome. Last evaluated: 2025-03-31. Review status: criteria provided, single submitter. Criteria: Invitae Variant Classification Sherloc (09022015). Collection method: clinical testing. Allele origin: germline.

NM_012330.4(KAT6B):c.5374A>G (p.Ile1792Val)

Gene: KAT6B (lysine acetyltransferase 6B; plus strand). Cytogenetic location: 10q22.2.
Variant type: single nucleotide variant.
Coding change: c.5374A>G on transcript NM_012330.4 (MANE Select); coding-DNA position 5374, A replaced by G.
Protein change: p.Ile1792Val; replaces isoleucine 1792 with valine.
Molecular consequence: missense variant.
Genome position (GRCh38, 1-based): chr10:75,030,198, A>G. VCF-style: chr10-75030198-A-G. GRCh37 (hg19) VCF-style: chr10-76789956-A-G.
Other names: c.4825A>G, p.Ile1609Val (NM_001256468.2, NM_001370138.1); c.4498A>G, p.Ile1500Val (NM_001256469.2, NM_001370139.1, NM_001370140.1 and 2 more transcripts); c.4336A>G, p.Ile1446Val (NM_001370132.1); c.3685A>G, p.Ile1229Val (NM_001370133.1); c.3289A>G, p.Ile1097Val (NM_001370134.1); c.3031A>G, p.Ile1011Val (NM_001370135.1); c.5374A>G, p.Ile1792Val (NM_001370136.1, NM_001370137.1); c.4309A>G, p.Ile1437Val (NM_001370143.1, NM_001370144.1); short protein forms I1500V, I1011V, I1229V, I1437V, I1792V, I1097V, I1446V, I1609V.
Identifiers: ClinVar variation 3680809 (VCV003680809.3).